The following is an entry in ClinVar:

ClinVar aggregate classification (germline): Uncertain significance (1 of 4 stars; one submission).

gnomAD v4.1: 1 of 1,611,882 alleles (0.000062%); highest among the groups gnomAD compares: Non-Finnish European, 0.000085%; no homozygotes.

Submission:

CeGaT Center for Human Genetics Tuebingen
Classification: Uncertain significance. Last evaluated: 2025-08-01. Review status: criteria provided, single submitter. Criteria: CeGaT Center For Human Genetics Tuebingen Variant Classification Criteria Version 2. Collection method: clinical testing. Allele origin: germline. Affected: yes. Observed: 1 variant allele.
Comment: CREBBP: PM2, PP2

NM_004380.3(CREBBP):c.7136A>G (p.Gln2379Arg)

Gene: CREBBP (CREB binding lysine acetyltransferase; minus strand). Cytogenetic location: 16p13.3.
Variant type: single nucleotide variant.
Coding change: c.7136A>G on transcript NM_004380.3 (MANE Select); coding-DNA position 7136, A replaced by G.
Protein change: p.Gln2379Arg; replaces glutamine 2379 with arginine.
Molecular consequence: missense variant.
Genome position (GRCh38, 1-based): chr16:3,727,911, T>C on the plus strand (A>G on the coding strand, the complement: CREBBP is on the minus strand). VCF-style: chr16-3727911-T-C. GRCh37 (hg19) VCF-style: chr16-3777912-T-C.
Other names: c.7022A>G, p.Gln2341Arg (NM_001079846.1); short protein forms Q2341R, Q2379R.
Identifiers: ClinVar variation 4085898 (VCV004085898.8).